The following is an entry in ClinVar:

NM_001044.5(SLC6A3):c.645G>A (p.Glu215=)

Gene: SLC6A3 (solute carrier family 6 member 3). Cytogenetic location: 5p15.33.
Variant type: single nucleotide variant.
Coding change: c.645G>A on transcript NM_001044.5 (MANE Select); coding-DNA position 645, G replaced by A.
Protein change: p.Glu215=; no amino-acid change (glutamic acid 215 retained).
Molecular consequence: synonymous variant.
Genome position (GRCh38, 1-based): chr5:1,432,472, C>T on the plus strand (G>A on the coding strand, the complement: SLC6A3 is on the minus strand). VCF-style: chr5-1432472-C-T. GRCh37 (hg19) VCF-style: chr5-1432587-C-T.
Identifiers: ClinVar variation 3031981 (VCV003031981.2), dbSNP rs748094067, ClinGen allele CA3186324.
Genomic context (GRCh38, chr5:1,432,472, plus strand): 5'-GGGACCTGGCTGCGCCATCTCTCCCGTTCCCGAGGACCCGACTCCCACTTACTCAAAGTA[C>T]TCGGCAGCAGGTGTGGTCCCAAAAGTGTCGTTGAGGCCCGAGCTGTCTCCACTGGAGTCA-3'
Protein context (NP_001035.1, residues 205-225): NDTFGTTPAA[Glu215=]YFERGVLHLH

ClinVar aggregate classification (germline): Likely benign (0 of 4 stars; one submission).

Conditions:
SLC6A3-related disorder. Also called: SLC6A3-related condition.

Allele frequency attached by ClinVar (database versions not stated): ExAC 0.00001.
gnomAD v4.1: 3 of 1,613,562 alleles (0.00019%); highest among the groups gnomAD compares: Non-Finnish European, 0.00025%; no homozygotes.

Submission:

PreventionGenetics, part of Exact Sciences
Classification: Likely benign for SLC6A3-related condition. Last evaluated: 2020-09-14. Review status: no assertion criteria provided. Collection method: clinical testing. Allele origin: germline.
Comment: This variant is classified as likely benign based on ACMG/AMP sequence variant interpretation guidelines (Richards et al. 2015 PMID: 25741868, with internal and published modifications).